The following is an entry in ClinVar:

NM_015164.4(PLEKHM2):c.1516G>A (p.Gly506Arg)

Gene: PLEKHM2 (pleckstrin homology and RUN domain containing M2; plus strand). Cytogenetic location: 1p36.21.
Variant type: single nucleotide variant.
Coding change: c.1516G>A on transcript NM_015164.4 (MANE Select); coding-DNA position 1516, G replaced by A.
Protein change: p.Gly506Arg; replaces glycine 506 with arginine.
Molecular consequence: missense variant.
Genome position (GRCh38, 1-based): chr1:15,727,588, G>A. VCF-style: chr1-15727588-G-A. GRCh37 (hg19) VCF-style: chr1-16054083-G-A.
Other names: c.1456G>A, p.Gly486Arg (NM_001410755.1); short protein forms G506R, G486R.
Identifiers: ClinVar variation 3650785 (VCV003650785.2).

ClinVar aggregate classification (germline): Uncertain significance (1 of 4 stars; one submission).

gnomAD v4.1: 5 of 1,578,288 alleles (0.00032%); highest among the groups gnomAD compares: African/African-American, 0.0014%; no homozygotes.

Submission:

Labcorp Genetics (formerly Invitae), Labcorp
Classification: Uncertain significance. Last evaluated: 2024-12-30. Review status: criteria provided, single submitter. Criteria: Invitae Variant Classification Sherloc (09022015). Collection method: clinical testing. Allele origin: germline.
Comment: This sequence change replaces glycine, which is neutral and non-polar, with arginine, which is basic and polar, at codon 506 of the PLEKHM2 protein (p.Gly506Arg). This variant is not present in population databases (gnomAD no frequency). This variant has not been reported in the literature in individuals affected with PLEKHM2-related conditions. An algorithm developed to predict the effect of missense changes on protein structure and function (PolyPhen-2) suggests that this variant is likely to be tolerated. In summary, the available evidence is currently insufficient to determine the role of this variant in disease. Therefore, it has been classified as a Variant of Uncertain Significance.